The following is an entry in ClinVar:

NM_000548.5(TSC2):c.3726G>C (p.Lys1242Asn)

Gene: TSC2 (TSC complex subunit 2; plus strand). Cytogenetic location: 16p13.3.
Variant type: single nucleotide variant.
Coding change: c.3726G>C on transcript NM_000548.5 (MANE Select); coding-DNA position 3726, G replaced by C.
Protein change: p.Lys1242Asn; replaces lysine 1242 with asparagine.
Molecular consequence: missense variant.
Genome position (GRCh38, 1-based): chr16:2,081,710, G>C. VCF-style: chr16-2081710-G-C. GRCh37 (hg19) VCF-style: chr16-2131711-G-C.
Other names: c.3726G>C (NM_000548.3); c.3594G>C, p.Lys1198Asn (NM_001077183.3, NM_001370404.1); c.3726G>C, p.Lys1242Asn (NM_001114382.3); c.3486G>C, p.Lys1162Asn (NM_001318827.2); c.3450G>C, p.Lys1150Asn (NM_001318829.2); c.2994G>C, p.Lys998Asn (NM_001318831.2); c.3627G>C, p.Lys1209Asn (NM_001318832.2); c.3597G>C, p.Lys1199Asn (NM_001363528.2, NM_001370405.1, NM_021055.3); short protein forms K1150N, K1162N, K1199N, K998N, K1198N, K1209N, K1242N.
Identifiers: ClinVar variation 1429392 (VCV001429392.9), dbSNP rs1596400322, ClinGen allele CA394292827.
Genomic context (GRCh38, chr16:2,081,710, plus strand): 5'-CATCAACAACATGCCCCTGCAGGAGCTGTCTAACGCCCTCATGGCGGCTGAGCGCTTCAA[G>C]GAGCACCGGGACACAGCCCTGTACAAGTCACTGTCGGTGCCGGCAGCCAGCACGGCCAAA-3'
Protein context (NP_000539.2, residues 1232-1252): SNALMAAERF[Lys1242Asn]EHRDTALYKS

ClinVar aggregate classification (germline): Uncertain significance. Review status: criteria provided, multiple submitters, no conflicts (2 of 4 stars). 2 submissions from 2 submitters: Uncertain significance (2). Last evaluated 2024-07-28.

Conditions:
Hereditary cancer-predisposing syndrome. Also called: Hereditary neoplastic syndrome; Tumor predisposition; Hereditary Cancer Syndrome; Neoplastic Syndromes, Hereditary. Identifiers: Orphanet 140162, MedGen C0027672, MeSH D009386, MONDO:0015356.
Tuberous sclerosis 2 (TSC2). Identifiers: Orphanet 805, MedGen C1860707, MONDO:0013199, OMIM 613254.

Submissions (2):

Ambry Genetics
Classification: Uncertain significance for Hereditary cancer-predisposing syndrome. Last evaluated: 2024-07-28. Review status: criteria provided, single submitter. Criteria: Ambry Variant Classification Scheme 2023. Collection method: clinical testing. Allele origin: germline.
Comment: The p.K1242N variant (also known as c.3726G>C), located in coding exon 30 of the TSC2 gene, results from a G to C substitution at nucleotide position 3726. The lysine at codon 1242 is replaced by asparagine, an amino acid with similar properties. This amino acid position is conserved. In addition, the in silico prediction for this alteration is inconclusive. Based on the available evidence, the clinical significance of this variant remains unclear.

Labcorp Genetics (formerly Invitae), Labcorp
Classification: Uncertain significance for Tuberous sclerosis 2. Last evaluated: 2020-12-13. Review status: criteria provided, single submitter. Criteria: Invitae Variant Classification Sherloc (09022015). Collection method: clinical testing. Allele origin: germline.
Comment: In summary, the available evidence is currently insufficient to determine the role of this variant in disease. Therefore, it has been classified as a Variant of Uncertain Significance. Advanced modeling of protein sequence and biophysical properties (such as structural, functional, and spatial information, amino acid conservation, physicochemical variation, residue mobility, and thermodynamic stability) performed at Invitae indicates that this missense variant is not expected to disrupt TSC2 protein function. This variant has not been reported in the literature in individuals with TSC2-related conditions. This variant is not present in population databases (ExAC no frequency). This sequence change replaces lysine with asparagine at codon 1242 of the TSC2 protein (p.Lys1242Asn). The lysine residue is highly conserved and there is a moderate physicochemical difference between lysine and asparagine.